The following is an entry in ClinVar:

NM_001040108.2(MLH3):c.3136C>T (p.Arg1046Trp)

Gene: MLH3 (mutL homolog 3; minus strand). Cytogenetic location: 14q24.3.
Variant type: single nucleotide variant.
Coding change: c.3136C>T on transcript NM_001040108.2 (MANE Select); coding-DNA position 3136, C replaced by T.
Protein change: p.Arg1046Trp; replaces arginine 1046 with tryptophan.
Molecular consequence: missense variant.
Genome position (GRCh38, 1-based): chr14:75,046,520, G>A on the plus strand (C>T on the coding strand, the complement: MLH3 is on the minus strand). VCF-style: chr14-75046520-G-A. GRCh37 (hg19) VCF-style: chr14-75513223-G-A.
Other names: c.3136C>T, p.Arg1046Trp (NM_014381.3); short protein forms R1046W.
Identifiers: ClinVar variation 314379 (VCV000314379.18), dbSNP rs765313787, ClinGen allele CA7275585.

ClinVar aggregate classification (germline): Uncertain significance. Review status: criteria provided, multiple submitters, no conflicts (2 of 4 stars). 4 submissions from 4 submitters: Uncertain significance (4). Last evaluated 2025-11-12.

Conditions:
Endometrial carcinoma. Also called: Endometrial carcinoma, somatic. Identifiers: MedGen C0476089, MONDO:0002447, OMIM 608089, HP:0012114.
Colorectal cancer, hereditary nonpolyposis, type 7. Identifiers: Orphanet 144, MedGen C1858380, MONDO:0013725, OMIM 614385.
Colorectal cancer. Also called: Colorectal cancer, somatic; Malignant Colorectal Neoplasm. Identifiers: MedGen C0346629, MONDO:0005575, OMIM 114500.

Allele frequency attached by ClinVar (database versions not stated): gnomAD exomes 0.00001 and 0.00003; TOPMed 0.00001; ExAC 0.00003.

Submissions (4):

Ambry Genetics
Classification: Uncertain significance. Last evaluated: 2025-11-12. Review status: criteria provided, single submitter. Criteria: Ambry Variant Classification Scheme 2023. Collection method: clinical testing. Allele origin: germline.
Comment: The p.R1046W variant (also known as c.3136C>T), located in coding exon 1 of the MLH3 gene, results from a C to T substitution at nucleotide position 3136. The arginine at codon 1046 is replaced by tryptophan, an amino acid with dissimilar properties. This amino acid position is conserved. In addition, the in silico prediction for this alteration is inconclusive. Since supporting evidence is limited at this time, the clinical significance of this alteration remains unclear.

Labcorp Genetics (formerly Invitae), Labcorp
Classification: Uncertain significance for Colorectal cancer, hereditary nonpolyposis, type 7. Last evaluated: 2025-02-17. Review status: criteria provided, single submitter. Criteria: Invitae Variant Classification Sherloc (09022015). Collection method: clinical testing. Allele origin: germline.
Comment: This sequence change replaces arginine, which is basic and polar, with tryptophan, which is neutral and slightly polar, at codon 1046 of the MLH3 protein (p.Arg1046Trp). This variant is present in population databases (rs765313787, gnomAD 0.01%). This variant has not been reported in the literature in individuals affected with MLH3-related conditions. ClinVar contains an entry for this variant (Variation ID: 314379). An algorithm developed to predict the effect of missense changes on protein structure and function (PolyPhen-2) suggests that this variant is likely to be tolerated. In summary, the available evidence is currently insufficient to determine the role of this variant in disease. Therefore, it has been classified as a Variant of Uncertain Significance.

Fulgent Genetics
Classification: Uncertain significance for Colorectal cancer; Endometrial carcinoma; Colorectal cancer, hereditary nonpolyposis, type 7. Last evaluated: 2024-03-29. Review status: criteria provided, single submitter. Criteria: ACMG Guidelines, 2015. Collection method: clinical testing. Allele origin: germline.

Illumina Laboratory Services, Illumina
Classification: Uncertain significance for Colorectal cancer, hereditary nonpolyposis, type 7. Last evaluated: 2018-01-13. Review status: criteria provided, single submitter. Criteria: ICSL Variant Classification Criteria 13 December 2019. Collection method: clinical testing. Allele origin: germline.